The following is an entry in ClinVar:

NM_003051.4(SLC16A1):c.362-58TATT[4]

Gene: SLC16A1 (solute carrier family 16 member 1; minus strand). Cytogenetic location: 1p13.2.
Variant type: Microsatellite.
Coding change: c.362-58TATT[4] on transcript NM_003051.4 (MANE Select); four copies in a row of the 4-base unit TATT starting at c.362-58; the reference has 12 copies in a row; eight copies, 32 bases deleted.
Molecular consequence: intron variant.
Genome position (GRCh38, 1-based): chr1:112,918,055-112,918,086, 32 bases deleted; deleting any 32 consecutive bases within chr1:112,918,055-112,918,103 gives the same sequence; the position shown is the placement nearest the transcript's 3' end. GRCh37 (hg19), VCF-style position (the base before the change): chr1:113,460,676.
Other names: c.362-58TATT[4] (NM_001166496.2).
Identifiers: ClinVar variation 2873502 (VCV002873502.3), dbSNP rs149491709, ClinGen allele CA2647176428.
Genomic context (GRCh38, chr1:112,918,054, plus strand): 5'-ACTTGCCAATCATGGTCAGAGCTGGATTCAAGTTGAAGGCAAGCCCAAGACCTGTGAAGA[CAATAAATAAATAAATAAATAAATAAATAAATA>C]AATAAATAAATAAATAATAAGAGGTATAAATAATGGAAGGAATAGGATATAAATCCTCAT-3'

ClinVar aggregate classification (germline): Uncertain significance (1 of 4 stars; one submission).

Submission:

Labcorp Genetics (formerly Invitae), Labcorp
Classification: Uncertain significance. Last evaluated: 2024-12-07. Review status: criteria provided, single submitter. Criteria: Invitae Variant Classification Sherloc (09022015). Collection method: clinical testing. Allele origin: germline.
Comment: This sequence change falls in intron 3 of the SLC16A1 gene. It does not directly change the encoded amino acid sequence of the SLC16A1 protein. This variant is not present in population databases (gnomAD no frequency). This variant has not been reported in the literature in individuals affected with SLC16A1-related conditions. Experimental studies and prediction algorithms are not available or were not evaluated, and the effect of this variant on mRNA splicing is currently unknown. In summary, the available evidence is currently insufficient to determine the role of this variant in disease. Therefore, it has been classified as a Variant of Uncertain Significance.